The following is an entry in ClinVar:

NM_001987.5(ETV6):c.77G>C (p.Ser26Thr)

Gene: ETV6 (ETS variant transcription factor 6; plus strand). Cytogenetic location: 12p13.2.
Variant type: single nucleotide variant.
Coding change: c.77G>C on transcript NM_001987.5 (MANE Select); coding-DNA position 77, G replaced by C.
Protein change: p.Ser26Thr; replaces serine 26 with threonine.
Molecular consequence: missense variant.
Genome position (GRCh38, 1-based): chr12:11,752,493, G>C. VCF-style: chr12-11752493-G-C. GRCh37 (hg19) VCF-style: chr12-11905427-G-C.
Other names: short protein forms S26T.
Identifiers: ClinVar variation 1203136 (VCV001203136.11), dbSNP rs150858928, ClinGen allele CA6454106.

ClinVar aggregate classification (germline): Conflicting classifications of pathogenicity. Review status: criteria provided, conflicting classifications (1 of 4 stars). 5 submissions from 5 submitters: Uncertain significance (2); Likely benign (3). Last evaluated 2026-01-11.

Conditions:
Inborn genetic diseases. Identifiers: MedGen C0950123, MeSH D030342.

Allele frequency attached by ClinVar (database versions not stated): ESP Exome Variant Server 0.00008; ExAC 0.00021; gnomAD exomes 0.00024; gnomAD 0.00031; TOPMed 0.00036.
gnomAD v4.1: 679 of 1,613,866 alleles (0.042%); highest among the groups gnomAD compares: Non-Finnish European, 0.051%; no homozygotes.

Submissions (5):

Labcorp Genetics (formerly Invitae), Labcorp
Classification: Uncertain significance. Last evaluated: 2026-01-11. Review status: criteria provided, single submitter. Criteria: Invitae Variant Classification Sherloc (09022015). Collection method: clinical testing. Allele origin: germline.
Comment: This sequence change replaces serine, which is neutral and polar, with threonine, which is neutral and polar, at codon 26 of the ETV6 protein (p.Ser26Thr). This variant is present in population databases (rs150858928, gnomAD 0.03%), and has an allele count higher than expected for a pathogenic variant. This missense change has been observed in individual(s) with childhood acute lymphoblastic leukaemia (PMID: 26522332). ClinVar contains an entry for this variant (Variation ID: 1203136). Invitae Evidence Modeling of protein sequence and biophysical properties (such as structural, functional, and spatial information, amino acid conservation, physicochemical variation, residue mobility, and thermodynamic stability) indicates that this missense variant is not expected to disrupt ETV6 protein function with a negative predictive value of 80%. In summary, the available evidence is currently insufficient to determine the role of this variant in disease. Therefore, it has been classified as a Variant of Uncertain Significance.

ARUP Laboratories, Molecular Genetics and Genomics, ARUP Laboratories
Classification: Uncertain significance. Last evaluated: 2025-07-21. Review status: criteria provided, single submitter. Criteria: ARUP Molecular Germline Variant Investigation Process 2024. Collection method: clinical testing. Allele origin: germline.
Comment: The ETV6 c.77G>C; p.Ser26Thr variant (rs150858928), to our knowledge, is not reported in the medical literature but is reported in ClinVar (Variation ID: 1203136). This variant is found in the general population with an overall allele frequency of 0.02% (64/282688 alleles) in the Genome Aggregation Database (v2.1.1). Computational analyses predict that this variant is neutral (REVEL: 0.086). Due to limited information, the clinical significance of this variant is uncertain at this time.

Ambry Genetics
Classification: Likely benign for Inborn genetic diseases. Last evaluated: 2024-12-04. Review status: criteria provided, single submitter. Criteria: Ambry Variant Classification Scheme 2023. Collection method: clinical testing. Allele origin: germline.

Blueprint Genetics
Classification: Likely benign. Last evaluated: 2024-11-06. Review status: criteria provided, single submitter. Criteria: ACMG Guidelines, 2015. Collection method: clinical testing. Allele origin: germline.

GeneDx
Classification: Likely benign. Last evaluated: 2020-08-13. Review status: criteria provided, single submitter. Criteria: GeneDx Variant Classification Process June 2021. Collection method: clinical testing. Allele origin: germline. Affected: yes.
Comment: In silico analysis supports that this missense variant does not alter protein structure/function; This variant is associated with the following publications: (PMID: 26522332)

Literature cited by the submitters: PubMed 26522332 (cited by Labcorp Genetics (formerly Invitae), Labcorp).